The following is an entry in ClinVar:

ClinVar aggregate classification (germline): Uncertain significance. Review status: criteria provided, multiple submitters, no conflicts (2 of 4 stars). 2 submissions from 2 submitters: Uncertain significance (2). Last evaluated 2025-06-13.

gnomAD v4.1: 27 of 1,613,976 alleles (0.0017%); highest among the groups gnomAD compares: Non-Finnish European, 0.0022%; no homozygotes.

Submissions (2):

Women's Health and Genetics/Laboratory Corporation of America, LabCorp
Classification: Uncertain significance. Last evaluated: 2025-06-13. Review status: criteria provided, single submitter. Criteria: LabCorp Variant Classification Summary - May 2015. Collection method: clinical testing. Allele origin: germline.
Comment: Variant summary: SLC39A13 c.139C>G (p.Arg47Gly) results in a non-conservative amino acid change in the encoded protein sequence. Algorithms developed to predict the effect of missense changes on protein structure and function are either unavailable or do not agree on the potential impact of this missense change. The variant allele was found at a frequency of 1.2e-05 in 250936 control chromosomes. The available data on variant occurrences in the general population are insufficient to allow any conclusion about variant significance. To our knowledge, no occurrence of c.139C>G in individuals affected with Ehlers-Danlos syndrome, spondylocheirodysplastic type and no experimental evidence demonstrating its impact on protein function have been reported. ClinVar contains an entry for this variant (Variation ID: 2683148). Based on the evidence outlined above, the variant was classified as uncertain significance.

Mayo Clinic Laboratories, Mayo Clinic
Classification: Uncertain significance. Last evaluated: 2022-03-22. Review status: criteria provided, single submitter. Criteria: ACMG Guidelines, 2015. Collection method: clinical testing. Allele origin: germline. Observed: 1 variant allele.
Comment: BP4

NM_001128225.3(SLC39A13):c.139C>G (p.Arg47Gly)

Gene: SLC39A13 (solute carrier family 39 member 13; plus strand). Cytogenetic location: 11p11.2.
Variant type: single nucleotide variant.
Coding change: c.139C>G on transcript NM_001128225.3 (MANE Select); coding-DNA position 139, C replaced by G.
Protein change: p.Arg47Gly; replaces arginine 47 with glycine.
Molecular consequence: missense variant. On other transcripts: non-coding transcript variant (1).
Genome position (GRCh38, 1-based): chr11:47,410,233, C>G. VCF-style: chr11-47410233-C-G. GRCh37 (hg19) VCF-style: chr11-47431784-C-G.
Other names: p.Arg47Gly; c.139C>G, p.Arg47Gly (NM_001330245.2, NM_152264.5); short protein forms R47G.
Identifiers: ClinVar variation 2683148 (VCV002683148.2), dbSNP rs766701277, ClinGen allele CA5975676.